The following is an entry in ClinVar:

ClinVar aggregate classification (germline): Likely pathogenic (1 of 4 stars; one submission).

Submission:

Dasa
Classification: Likely pathogenic. Last evaluated: 2025-12-13. Review status: criteria provided, single submitter. Criteria: DASA Assertion Criteria. Collection method: clinical testing. Allele origin: germline.
Comment: NM_014804.3(KIAA0753):c.287_288del (p.Arg96Thrfs*2) is a frameshift variant in KIAA0753 predicted to alter the reading frame and introduce a premature termination codon and is predicted to result in an absent or altered protein product. Loss of function is an established disease mechanism for KIAA0753-associated disorders. Also, this variant is rare in population databases. Based on the currently available evidence, this variant is classified as likely pathogenic.

NM_014804.3(KIAA0753):c.287_288del (p.Arg96fs)

Gene: KIAA0753 (KIAA0753; minus strand). Cytogenetic location: 17p13.1.
Variant type: Microsatellite.
Coding change: c.287_288del on transcript NM_014804.3 (MANE Select); coding-DNA positions 287 to 288, 2 bases deleted (GA; older notation c.287_288delGA).
Protein change: p.Arg96fs; shifts the reading frame from arginine 96.
Molecular consequence: frameshift variant. On other transcripts: 5 prime UTR variant (1), non-coding transcript variant (3).
Genome position (GRCh38, 1-based): chr17:6,628,547-6,628,548, TC deleted on the plus strand (GA on the coding strand, the reverse complement: KIAA0753 is on the minus strand); deleting any 2 consecutive bases within chr17:6,628,547-6,628,553 gives the same sequence; the c. name uses the placement nearest the transcript's 3' end. VCF-style (leftmost placement, unchanged base first): chr17-6628546-GTC-G. GRCh37 (hg19) VCF-style: chr17-6531866-GTC-G.
Other names: c.-952GA[2] (NM_001351225.2); short protein forms R96fs.
Identifiers: ClinVar variation 4886549 (VCV004886549.2).